The following is an entry in ClinVar:

ClinVar aggregate classification (germline): Likely benign. Review status: criteria provided, multiple submitters, no conflicts (2 of 4 stars). 2 submissions from 2 submitters: Likely benign (2). Last evaluated 2024-05-17.

Conditions:
Primary ciliary dyskinesia. Also called: Ciliary dyskinesia. Identifiers: Orphanet 244, MedGen C0008780, MONDO:0016575, HP:0012265.

Allele frequency attached by ClinVar (database versions not stated): ExAC 0.00001; gnomAD 0.00001; gnomAD exomes 0.00001.
gnomAD v4.1: 11 of 1,612,788 alleles (0.00068%); highest among the groups gnomAD compares: South Asian, 0.0022%; no homozygotes.

Submissions (2):

Ambry Genetics
Classification: Likely benign for Primary ciliary dyskinesia. Last evaluated: 2024-05-17. Review status: criteria provided, single submitter. Criteria: Ambry Variant Classification Scheme 2023. Collection method: clinical testing. Allele origin: germline.

CeGaT Center for Human Genetics Tuebingen
Classification: Likely benign. Last evaluated: 2024-02-01. Review status: criteria provided, single submitter. Criteria: CeGaT Center For Human Genetics Tuebingen Variant Classification Criteria Version 2. Collection method: clinical testing. Allele origin: germline. Affected: yes. Observed: 1 variant allele.
Comment: CCDC40: BP4, BP7

NM_017950.4(CCDC40):c.550T>C (p.Leu184=)

Gene: CCDC40 (coiled-coil domain 40 molecular ruler complex subunit; plus strand). Cytogenetic location: 17q25.3.
Variant type: single nucleotide variant.
Coding change: c.550T>C on transcript NM_017950.4 (MANE Select); coding-DNA position 550, T replaced by C.
Protein change: p.Leu184=; no amino-acid change (leucine 184 retained).
Molecular consequence: synonymous variant.
Genome position (GRCh38, 1-based): chr17:80,040,268, T>C. VCF-style: chr17-80040268-T-C. GRCh37 (hg19) VCF-style: chr17-78014067-T-C.
Other names: c.550T>C, p.Leu184= (NM_001243342.2, NM_001330508.2); c.550T>C (NM_017950.3).
Identifiers: ClinVar variation 3025633 (VCV003025633.23), dbSNP rs755069671, ClinGen allele CA8813462.